The following is an entry in ClinVar:

ClinVar aggregate classification (germline): Benign (1 of 4 stars; one submission).

Conditions:
Leigh syndrome (NULS). Also called: Leigh's necrotizing encephalopathy; Leigh's disease; Leigh Syndrome (mtDNA deletion); Leigh Disease; Subacute necrotizing encephalopathy; Necrotizing encephalopathy infantile subacute of Leigh. Identifiers: Orphanet 506, MedGen C2931891, MONDO:0009723, OMIM 256000.

Submission:

Wong Mito Lab, Molecular and Human Genetics, Baylor College of Medicine
Classification: Benign for Leigh syndrome. Last evaluated: 2019-10-17. Review status: criteria provided, single submitter. Criteria: Modified ACMG Guidelines (Unpublished). Collection method: clinical testing. Allele origin: germline.
Comment: The NC_012920.1:m.8857G>A (YP_003024031.1:p.Gly111Ser) variant in MTATP6 gene is interpretated to be a Benign variant based on the modified ACMG guidelines (unpublished). This variant meets the following evidence codes: BS1, BS2

NC_012920.1(MT-ATP6):m.8857G>A

Gene: MT-ATP6 (mitochondrially encoded ATP synthase 6; plus strand).
Variant type: single nucleotide variant.
Genome position: chrM-8857-G-A.
Identifiers: ClinVar variation 693003 (VCV000693003.1), dbSNP rs201017581, ClinGen allele CA337098080.